The following is an entry in ClinVar:

ClinVar aggregate classification (germline): Uncertain significance (1 of 4 stars; one submission).

Conditions:
Ehlers-Danlos syndrome, classic type, 1 (EDSCL1). Also called: Ehlers-Danlos Syndrome, Classic Type, COL5A1-Related; EDS I; Ehlers-Danlos syndrome, type 1; EHLERS-DANLOS SYNDROME, GRAVIS TYPE; EHLERS-DANLOS SYNDROME, SEVERE CLASSIC TYPE. Identifiers: MedGen C0268335, MONDO:0019567, OMIM 130000.

Allele frequency attached by ClinVar (database versions not stated): ESP Exome Variant Server 0.00008.

Submission:

Labcorp Genetics (formerly Invitae), Labcorp
Classification: Uncertain significance for Ehlers-Danlos syndrome, classic type, 1. Last evaluated: 2025-01-08. Review status: criteria provided, single submitter. Criteria: Invitae Variant Classification Sherloc (09022015). Collection method: clinical testing. Allele origin: germline.
Comment: This sequence change replaces proline, which is neutral and non-polar, with threonine, which is neutral and polar, at codon 698 of the COL5A2 protein (p.Pro698Thr). This variant is not present in population databases (gnomAD no frequency). This variant has not been reported in the literature in individuals affected with COL5A2-related conditions. ClinVar contains an entry for this variant (Variation ID: 571888). Invitae Evidence Modeling of protein sequence and biophysical properties (such as structural, functional, and spatial information, amino acid conservation, physicochemical variation, residue mobility, and thermodynamic stability) indicates that this missense variant is not expected to disrupt COL5A2 protein function with a negative predictive value of 80%. In summary, the available evidence is currently insufficient to determine the role of this variant in disease. Therefore, it has been classified as a Variant of Uncertain Significance.

NM_000393.5(COL5A2):c.2092C>A (p.Pro698Thr)

Gene: COL5A2 (collagen type V alpha 2 chain; minus strand). Cytogenetic location: 2q32.2.
Variant type: single nucleotide variant.
Coding change: c.2092C>A on transcript NM_000393.5 (MANE Select); coding-DNA position 2092, C replaced by A.
Protein change: p.Pro698Thr; replaces proline 698 with threonine.
Molecular consequence: missense variant.
Genome position (GRCh38, 1-based): chr2:189,058,887, G>T on the plus strand (C>A on the coding strand, the complement: COL5A2 is on the minus strand). VCF-style: chr2-189058887-G-T. GRCh37 (hg19) VCF-style: chr2-189923613-G-T.
Other names: short protein forms P698T.
Identifiers: ClinVar variation 571888 (VCV000571888.10), dbSNP rs146005731, ClinGen allele CA62600127.